The following is an entry in ClinVar:

ClinVar aggregate classification (germline): Uncertain significance. Review status: criteria provided, multiple submitters, no conflicts (2 of 4 stars). 2 submissions from 2 submitters: Uncertain significance (2). Last evaluated 2025-05-19.

Conditions:
Retinal dystrophy. Also called: Inherited retinal dystrophy. Identifiers: Orphanet 71862, MedGen C0854723, MeSH D058499, MONDO:0019118, HP:0000556.

Allele frequency attached by ClinVar (database versions not stated): gnomAD 0.00001; ExAC 0.00006; gnomAD exomes 0.00002 and 0.00004; TOPMed 0.00002.
gnomAD v4.1: 33 of 1,604,418 alleles (0.0021%); highest among the groups gnomAD compares: East Asian, 0.027%; no homozygotes.

Submissions (2):

Labcorp Genetics (formerly Invitae), Labcorp
Classification: Uncertain significance. Last evaluated: 2025-05-19. Review status: criteria provided, single submitter. Criteria: Invitae Variant Classification Sherloc (09022015). Collection method: clinical testing. Allele origin: germline.
Comment: This sequence change replaces isoleucine, which is neutral and non-polar, with valine, which is neutral and non-polar, at codon 688 of the PROM1 protein (p.Ile688Val). This variant is present in population databases (rs760554830, gnomAD 0.05%). This variant has not been reported in the literature in individuals affected with PROM1-related conditions. ClinVar contains an entry for this variant (Variation ID: 1401207). Invitae Evidence Modeling of protein sequence and biophysical properties (such as structural, functional, and spatial information, amino acid conservation, physicochemical variation, residue mobility, and thermodynamic stability) indicates that this missense variant is not expected to disrupt PROM1 protein function with a negative predictive value of 80%. In summary, the available evidence is currently insufficient to determine the role of this variant in disease. Therefore, it has been classified as a Variant of Uncertain Significance.

Dept Of Ophthalmology, Nagoya University
Classification: Uncertain significance for Retinal dystrophy. Last evaluated: 2023-10-01. Review status: criteria provided, single submitter. Criteria: Submitter's publication. Collection method: research. Allele origin: germline. Affected: yes.

NM_006017.3(PROM1):c.2062A>G (p.Ile688Val)

Gene: PROM1 (prominin 1; minus strand). Cytogenetic location: 4p15.32.
Variant type: single nucleotide variant.
Coding change: c.2062A>G on transcript NM_006017.3 (MANE Select); coding-DNA position 2062, A replaced by G.
Protein change: p.Ile688Val; replaces isoleucine 688 with valine.
Molecular consequence: missense variant.
Genome position (GRCh38, 1-based): chr4:15,989,746, T>C on the plus strand (A>G on the coding strand, the complement: PROM1 is on the minus strand). VCF-style: chr4-15989746-T-C. GRCh37 (hg19) VCF-style: chr4-15991369-T-C.
Other names: c.2035A>G, p.Ile679Val (NM_001145847.2, NM_001145848.2, NM_001145851.2 and 4 more transcripts); c.2062A>G, p.Ile688Val (NM_001145849.2, NM_001145850.2); short protein forms I679V, I688V.
Identifiers: ClinVar variation 1401207 (VCV001401207.7), dbSNP rs760554830, ClinGen allele CA2866535.
Genomic context (GRCh38, chr4:15,989,746, plus strand): 5'-ATTTTGCTCAGGTCACAGTGAAATACAATACGTCGTTGACTGTTACCAGTGATTGTTCTA[T>C]AGGAAGGACTCGTTGCTGGTGAATTGTTTTAATAGTTTGTGCATCTCTTTTCAGGGAGTT-3'
Protein context (NP_006008.1, residues 678-698): KTIHQQRVLP[Ile688Val]EQSLSTLYQS